The following is an entry in ClinVar:

ClinVar aggregate classification (germline): Pathogenic (1 of 4 stars; one submission).

Conditions:
Breast-ovarian cancer, familial, susceptibility to, 4. Identifiers: Orphanet 145, MedGen C3280345, MONDO:0013669, OMIM 614291.

Submission:

Labcorp Genetics (formerly Invitae), Labcorp
Classification: Pathogenic for Breast-ovarian cancer, familial, susceptibility to, 4. Last evaluated: 2020-08-30. Review status: criteria provided, single submitter. Criteria: Invitae Variant Classification Sherloc (09022015). Collection method: clinical testing. Allele origin: germline.
Comment: For these reasons, this variant has been classified as Pathogenic. Loss-of-function variants in RAD51D are known to be pathogenic (PMID: 21822267). This variant has not been reported in the literature in individuals with RAD51D-related conditions. This variant is not present in population databases (ExAC no frequency). This sequence change creates a premature translational stop signal (p.Ile86Leufs*17) in the RAD51D gene. It is expected to result in an absent or disrupted protein product.

Literature cited by the submitters: PubMed 21822267.

NM_002878.4(RAD51D):c.256del (p.Ile86fs)

Genes: RAD51D (RAD51 paralog D; minus strand), RAD51L3-RFFL (RAD51L3-RFFL readthrough; minus strand). Cytogenetic location: 17q12.
Variant type: Deletion.
Coding change: c.256del on transcript NM_002878.4 (MANE Select); coding-DNA position 256, one base deleted (A; older notation c.256delA).
Protein change: p.Ile86fs; shifts the reading frame from isoleucine 86.
Molecular consequence: frameshift variant. On other transcripts: intron variant (2).
Genome position (GRCh38, 1-based): chr17:35,118,508, T deleted on the plus strand (A on the coding strand, the reverse complement: RAD51D is on the minus strand). VCF-style (leftmost placement, unchanged base first): chr17-35118507-AT-A. GRCh37 (hg19) VCF-style: chr17-33445526-AT-A.
Other names: c.144+603del (NM_133629.3, NM_001142571.2); short protein forms I86fs.
Identifiers: ClinVar variation 1075870 (VCV001075870.7), dbSNP rs2142473574, ClinGen allele CA2499224279.